The following is an entry in ClinVar:

NM_001005337.3(PKP1):c.826G>T (p.Asp276Tyr)

Gene: PKP1 (plakophilin 1; plus strand). Cytogenetic location: 1q32.1.
Variant type: single nucleotide variant.
Coding change: c.826G>T on transcript NM_001005337.3 (MANE Select); coding-DNA position 826, G replaced by T.
Protein change: p.Asp276Tyr; replaces aspartic acid 276 with tyrosine.
Molecular consequence: missense variant.
Genome position (GRCh38, 1-based): chr1:201,316,677, G>T. VCF-style: chr1-201316677-G-T. GRCh37 (hg19) VCF-style: chr1-201285805-G-T.
Other names: c.826G>T (NM_001005337.2); c.826G>T, p.Asp276Tyr (NM_000299.4); short protein forms D276Y.
Identifiers: ClinVar variation 2699740 (VCV002699740.4), dbSNP rs191741262, ClinGen allele CA1324200.

ClinVar aggregate classification (germline): Likely benign. Review status: criteria provided, multiple submitters, no conflicts (2 of 4 stars). 2 submissions from 2 submitters: Likely benign (2). Last evaluated 2025-06-09.

Conditions:
PKP1-related disorder. Also called: PKP1-related condition.

Allele frequency attached by ClinVar (database versions not stated): gnomAD 0.00004; TOPMed 0.00008; 1000 Genomes Project 0.00020; ExAC 0.00025; 1000 Genomes Project 30x 0.00031.
gnomAD v4.1: 88 of 1,613,920 alleles (0.0055%); highest among the groups gnomAD compares: Admixed American, 0.14%; 1 homozygote.

Submissions (2):

PreventionGenetics, part of Exact Sciences
Classification: Likely benign for PKP1-related condition. Last evaluated: 2025-06-09. Review status: criteria provided, single submitter. Criteria: ACMG Guidelines, 2015. Collection method: clinical testing. Allele origin: germline.
Comment: This variant is classified as likely benign based on ACMG/AMP sequence variant interpretation guidelines (Richards et al. 2015 PMID: 25741868, with internal and published modifications).

Labcorp Genetics (formerly Invitae), Labcorp
Classification: Likely benign. Last evaluated: 2025-02-19. Review status: criteria provided, single submitter. Criteria: Invitae Variant Classification Sherloc (09022015). Collection method: clinical testing. Allele origin: germline.